The following is an entry in ClinVar:

ClinVar aggregate classification (germline): Conflicting classifications of pathogenicity. Review status: criteria provided, conflicting classifications (1 of 4 stars). 5 submissions from 5 submitters: Likely pathogenic (1); Uncertain significance (4). Last evaluated 2025-12-17.

Conditions:
Hereditary cancer-predisposing syndrome. Also called: Hereditary Cancer Syndrome; Hereditary neoplastic syndrome; Tumor predisposition; Neoplastic Syndromes, Hereditary. Identifiers: Orphanet 140162, MedGen C0027672, MeSH D009386, MONDO:0015356.
Familial medullary thyroid carcinoma (MTC). Also called: Familial Medullary Thyroid Carcinoma (FMTC); Thyroid cancer, familial medullary; MTC, familial. Identifiers: Orphanet 653, Orphanet 99361, MedGen C1833921, MONDO:0007958, OMIM 155240.
Pheochromocytoma. Also called: MAX-Related Hereditary Paraganglioma-Pheochromocytoma Syndrome. Identifiers: Orphanet 29072, MedGen C0031511, MONDO:0008233, OMIM 171300, HP:0002666.
Multiple endocrine neoplasia type 2A. Also called: Multiple Endocrine Neoplasia Type 2A (MEN2A); MULTIPLE ENDOCRINE NEOPLASIA, TYPE IIA; PTC SYNDROME; SIPPLE SYNDROME; MEN 2A; MEN-2A syndrome. Identifiers: Orphanet 247698, Orphanet 653, MedGen C0025268, MeSH D018813, MONDO:0008234, OMIM 171400.
Hirschsprung disease, susceptibility to, 1 (HSCR1). Also called: RET-Related Hirschsprung Disease. Identifiers: Orphanet 388, MedGen C3888239, MONDO:0007723, OMIM 142623.
Multiple endocrine neoplasia type 2B. Also called: WAGENMANN-FROBOESE SYNDROME; MULTIPLE ENDOCRINE NEOPLASIA, TYPE III; MUCOSAL NEUROMA SYNDROME; Multiple Endocrine Neoplasia Type 2B (MEN2B); Multiple endocrine neoplasia, type 3; MULTIPLE ENDOCRINE NEOPLASIA, TYPE IIB. Identifiers: Orphanet 247709, Orphanet 653, MedGen C0025269, MeSH D018814, MONDO:0008082, OMIM 162300.
Ovarian cancer. Also called: OVARIAN CANCER, SOMATIC. Identifiers: Orphanet 213500, MedGen C1140680, MONDO:0008170, OMIM 167000.
Multiple endocrine neoplasia, type 2 (MEN2). Identifiers: Orphanet 653, MedGen C4048306, MONDO:0019003. Disease mechanism: gain of function.

Allele frequency attached by ClinVar (database versions not stated): ExAC 0.00001; gnomAD 0.00001; 1000 Genomes Project 30x 0.00016; 1000 Genomes Project 0.00020.

Submissions (5):

Ambry Genetics
Classification: Uncertain significance for Hereditary cancer-predisposing syndrome. Last evaluated: 2025-12-17. Review status: criteria provided, single submitter. Criteria: Ambry Variant Classification Scheme 2023. Collection method: clinical testing. Allele origin: germline.
Comment: The p.V397M variant (also known as c.1189G>A), located in coding exon 6 of the RET gene, results from a G to A substitution at nucleotide position 1189. The valine at codon 397 is replaced by methionine, an amino acid with highly similar properties. This amino acid position is not well conserved in available vertebrate species. In addition, this alteration is predicted to be tolerated by in silico analysis. Since supporting evidence is limited at this time, the clinical significance of this alteration remains unclear.

Labcorp Genetics (formerly Invitae), Labcorp
Classification: Uncertain significance for Multiple endocrine neoplasia, type 2. Last evaluated: 2025-12-08. Review status: criteria provided, single submitter. Criteria: Invitae Variant Classification Sherloc (09022015). Collection method: clinical testing. Allele origin: germline.
Comment: This sequence change replaces valine, which is neutral and non-polar, with methionine, which is neutral and non-polar, at codon 397 of the RET protein (p.Val397Met). This variant is present in population databases (rs183729115, gnomAD 0.007%). This missense change has been observed in individual(s) with Hirschsprung disease (PMID: 22174939). ClinVar contains an entry for this variant (Variation ID: 477307). An algorithm developed to predict the effect of missense changes on protein structure and function (PolyPhen-2) suggests that this variant is likely to be tolerated. In summary, the available evidence is currently insufficient to determine the role of this variant in disease. Therefore, it has been classified as a Variant of Uncertain Significance.

Fulgent Genetics
Classification: Uncertain significance for Hirschsprung disease, susceptibility to, 1; Familial medullary thyroid carcinoma; Multiple endocrine neoplasia type 2B; Pheochromocytoma; Multiple endocrine neoplasia type 2A. Last evaluated: 2024-04-14. Review status: criteria provided, single submitter. Criteria: ACMG Guidelines, 2015. Collection method: clinical testing. Allele origin: germline.

All of Us Research Program, National Institutes of Health
Classification: Uncertain significance for Multiple endocrine neoplasia, type 2. Last evaluated: 2024-03-24. Review status: criteria provided, single submitter. Criteria: ACMG Guidelines, 2015. Collection method: clinical testing. Allele origin: germline. Inheritance: Autosomal dominant inheritance. Observed: 1 variant allele, 1 heterozygote.
Comment: This missense variant replaces valine with methionine at codon 397 of the RET protein. Computational prediction suggests that this variant may not impact protein structure and function. To our knowledge, functional studies have not been reported for this variant. This variant has been reported in an individual affected with Hirschsprung disease (PMID: 22174939). This variant has not been identified in the general population by the Genome Aggregation Database (gnomAD). The available evidence is insufficient to determine the role of this variant in disease conclusively. Therefore, this variant is classified as a Variant of Uncertain Significance.

This study involves interpretation of variants in research participants for the purpose of population health screening. Participant phenotype was not available at the time of variant classification. Additional details can be found in publication PMID: 35346344, PMCID: PMC8962531

Laboratory of Molecular Epidemiology of Birth Defects, West China Second University Hospital, Sichuan University
Classification: Likely pathogenic for Ovarian cancer. Last evaluated: 2022-01-01. Review status: criteria provided, single submitter. Criteria: ACMG Guidelines, 2015. Collection method: clinical testing. Allele origin: germline. Affected: yes.

Literature cited by the submitters: PubMed 22174939 (cited by 3 submitters).

NM_020975.6(RET):c.1189G>A (p.Val397Met)

Gene: RET (ret proto-oncogene; plus strand). Cytogenetic location: 10q11.21.
Variant type: single nucleotide variant.
Coding change: c.1189G>A on transcript NM_020975.6 (MANE Select); coding-DNA position 1189, G replaced by A.
Protein change: p.Val397Met; replaces valine 397 with methionine.
Molecular consequence: missense variant.
Genome position (GRCh38, 1-based): chr10:43,109,156, G>A. VCF-style: chr10-43109156-G-A. GRCh37 (hg19) VCF-style: chr10-43604604-G-A.
Other names: c.1189G>A, p.Val397Met (NM_000323.2, NM_020629.2, NM_020630.7 and 6 more transcripts); c.427G>A, p.Val143Met (NM_001355216.2); c.901G>A, p.Val301Met (NM_001406767.1, NM_001406770.1, NM_001406766.1); c.1060G>A, p.Val354Met (NM_001406768.1, NM_001406761.1, NM_001406762.1 and 1 more transcripts); c.751G>A, p.Val251Met (NM_001406771.1, NM_001406773.1); c.463G>A, p.Val155Met (NM_001406775.1, NM_001406776.1, NM_001406777.1 and 1 more transcripts); c.199G>A, p.Val67Met (NM_001406784.1); short protein forms V397M, V143M, V354M, V155M, V67M, V251M, V301M.
Identifiers: ClinVar variation 477307 (VCV000477307.15), dbSNP rs183729115, ClinGen allele CA032076.